The following is an entry in ClinVar:

NC_000016.9:g.(?_2089925)_(2131809_?)dup

Genes: NTHL1 (nth like DNA glycosylase 1; minus strand), TSC2 (TSC complex subunit 2; plus strand). Cytogenetic location: 16p13.3.
Variant type: Duplication.
Identifiers: ClinVar variation 2423297 (VCV002423297.4).

ClinVar aggregate classification (germline): Uncertain significance (1 of 4 stars; one submission).

Conditions:
Tuberous sclerosis 2 (TSC2). Identifiers: Orphanet 805, MedGen C1860707, MONDO:0013199, OMIM 613254.

Submission:

Labcorp Genetics (formerly Invitae), Labcorp
Classification: Uncertain significance for Tuberous sclerosis 2. Last evaluated: 2022-05-04. Review status: criteria provided, single submitter. Criteria: Invitae Variant Classification Sherloc (09022015). Collection method: clinical testing. Allele origin: germline.
Comment: This variant results in a copy number gain of the genomic region encompassing exon(s) 1-31 of the TSC2 gene. This region includes the initiator codon of the gene. This copy number gain extends beyond the assayed region for this gene and therefore may encompass additional genes. As the precise location of this event is unknown, it may be in tandem or it may be located elsewhere in the genome. This variant has not been reported in the literature in individuals affected with TSC2-related conditions. In summary, the available evidence is currently insufficient to determine the role of this variant in disease. Therefore, it has been classified as a Variant of Uncertain Significance.